The following is an entry in ClinVar:

ClinVar aggregate classification (germline): Uncertain significance (1 of 4 stars; one submission).

Conditions:
Early-infantile DEE. Also called: Early infantile epileptic encephalopathy; Ohtahara syndrome; Early infantile epileptic encephalopathy with suppression bursts. Identifiers: Orphanet 1934, MedGen C0393706, MONDO:0800491.

Submission:

Labcorp Genetics (formerly Invitae), Labcorp
Classification: Uncertain significance for Early-infantile DEE. Last evaluated: 2024-06-26. Review status: criteria provided, single submitter. Criteria: Invitae Variant Classification Sherloc (09022015). Collection method: clinical testing. Allele origin: germline.
Comment: This sequence change replaces histidine, which is basic and polar, with glutamine, which is neutral and polar, at codon 795 of the HCN1 protein (p.His795Gln). This variant is not present in population databases (gnomAD no frequency). This variant has not been reported in the literature in individuals affected with HCN1-related conditions. Advanced modeling of protein sequence and biophysical properties (such as structural, functional, and spatial information, amino acid conservation, physicochemical variation, residue mobility, and thermodynamic stability) performed at Invitae indicates that this missense variant is not expected to disrupt HCN1 protein function with a negative predictive value of 95%. In summary, the available evidence is currently insufficient to determine the role of this variant in disease. Therefore, it has been classified as a Variant of Uncertain Significance.

NM_021072.4(HCN1):c.2385T>A (p.His795Gln)

Gene: HCN1 (hyperpolarization activated cyclic nucleotide gated potassium channel 1; minus strand). Cytogenetic location: 5p12.
Variant type: single nucleotide variant.
Coding change: c.2385T>A on transcript NM_021072.4 (MANE Select); coding-DNA position 2385, T replaced by A.
Protein change: p.His795Gln; replaces histidine 795 with glutamine.
Molecular consequence: missense variant.
Genome position (GRCh38, 1-based): chr5:45,262,209, A>T on the plus strand (T>A on the coding strand, the complement: HCN1 is on the minus strand). VCF-style: chr5-45262209-A-T. GRCh37 (hg19) VCF-style: chr5-45262311-A-T.
Other names: short protein forms H795Q.
Identifiers: ClinVar variation 3635381 (VCV003635381.2).